The following is an entry in ClinVar:

NM_000891.3(KCNJ2):c.531C>T (p.Gly177=)

Gene: KCNJ2 (potassium inwardly rectifying channel subfamily J member 2; plus strand). Cytogenetic location: 17q24.3.
Variant type: single nucleotide variant.
Coding change: c.531C>T on transcript NM_000891.3 (MANE Select); coding-DNA position 531, C replaced by T.
Protein change: p.Gly177=; no amino-acid change (glycine 177 retained).
Molecular consequence: synonymous variant.
Genome position (GRCh38, 1-based): chr17:70,175,570, C>T. VCF-style: chr17-70175570-C-T. GRCh37 (hg19) VCF-style: chr17-68171711-C-T.
Identifiers: ClinVar variation 324832 (VCV000324832.21), dbSNP rs544384907, ClinGen allele CA8738740.

ClinVar aggregate classification (germline): Conflicting classifications of pathogenicity. Review status: criteria provided, conflicting classifications (1 of 4 stars). 7 submissions from 5 submitters: Uncertain significance (1); Benign (4); Likely benign (2). Last evaluated 2026-06-23.

Conditions:
Short QT syndrome type 3. Identifiers: Orphanet 51083, MedGen C1865018, MONDO:0012314, OMIM 609622.
Andersen Tawil syndrome (LQT7). Also called: ANDERSEN CARDIODYSRHYTHMIC PERIODIC PARALYSIS; Potassium-sensitive periodic paralysis, ventricular ectopy, and dysmorphic features; LONG QT SYNDROME 7; PERIODIC PARALYSIS, POTASSIUM-SENSITIVE CARDIODYSRHYTHMIC TYPE; Andersen Syndrome. Identifiers: Orphanet 37553, MedGen C1563715, MONDO:0008222, OMIM 170390.
Cardiovascular phenotype. Identifiers: MedGen CN230736.
Atrial fibrillation, familial, 9 (ATFB9). Identifiers: MedGen C3151431, MONDO:0013513, OMIM 613980.

Allele frequency attached by ClinVar (database versions not stated): gnomAD 0.00002 and 0.00013; TOPMed 0.00005; ExAC 0.00026; 1000 Genomes Project 30x 0.00141; 1000 Genomes Project 0.00180.

Submissions (7):

Women's Health and Genetics/Laboratory Corporation of America, LabCorp
Classification: Benign. Last evaluated: 2026-06-23. Review status: criteria provided, single submitter. Criteria: LabCorp Variant Classification Summary - May 2015. Collection method: clinical testing. Allele origin: germline.

Labcorp Genetics (formerly Invitae), Labcorp
Classification: Benign for Short QT syndrome type 3; Andersen Tawil syndrome. Last evaluated: 2025-12-20. Review status: criteria provided, single submitter. Criteria: Invitae Variant Classification Sherloc (09022015). Collection method: clinical testing. Allele origin: germline.

Blueprint Genetics
Classification: Likely benign. Last evaluated: 2024-09-10. Review status: criteria provided, single submitter. Criteria: ACMG Guidelines, 2015. Collection method: clinical testing. Allele origin: germline.

Ambry Genetics
Classification: Likely benign for Cardiovascular phenotype. Last evaluated: 2020-03-04. Review status: criteria provided, single submitter. Criteria: Ambry Variant Classification Scheme 2023. Collection method: clinical testing. Allele origin: germline.

Illumina Laboratory Services, Illumina
Classification: Benign for Andersen Tawil syndrome. Last evaluated: 2018-01-12. Review status: criteria provided, single submitter. Criteria: ICSL Variant Classification Criteria 13 December 2019. Collection method: clinical testing. Allele origin: germline.
Comment: This variant was observed in the ICSL laboratory as part of a predisposition screen in an ostensibly healthy population. It had not been previously curated by ICSL or reported in the Human Gene Mutation Database (HGMD: prior to June 1st, 2018), and was therefore a candidate for classification through an automated scoring system. Utilizing variant allele frequency, disease prevalence and penetrance estimates, and inheritance mode, an automated score was calculated to assess if this variant is too frequent to cause the disease. Based on the score and internal cut-off values, a variant classified as benign is not then subjected to further curation. The score for this variant resulted in a classification of benign for this disease.

Illumina Laboratory Services, Illumina
Classification: Uncertain significance for Atrial fibrillation, familial, 9. Last evaluated: 2018-01-12. Review status: criteria provided, single submitter. Criteria: ICSL Variant Classification Criteria 13 December 2019. Collection method: clinical testing. Allele origin: germline.

Illumina Laboratory Services, Illumina
Classification: Benign for Short QT syndrome type 3. Last evaluated: 2018-01-12. Review status: criteria provided, single submitter. Criteria: ICSL Variant Classification Criteria 13 December 2019. Collection method: clinical testing. Allele origin: germline.
Comment: the same text as in the submission from Illumina Laboratory Services, Illumina above.